The following is an entry in ClinVar:

NM_003718.5(CDK13):c.275T>A (p.Leu92Gln)

Genes: CDK13 (cyclin dependent kinase 13; plus strand), LOC129998292 (ATAC-STARR-seq lymphoblastoid silent region 18115; plus strand). Cytogenetic location: 7p14.1.
Variant type: single nucleotide variant.
Coding change: c.275T>A on transcript NM_003718.5 (MANE Select); coding-DNA position 275, T replaced by A.
Protein change: p.Leu92Gln; replaces leucine 92 with glutamine.
Molecular consequence: missense variant.
Genome position (GRCh38, 1-based): chr7:39,950,916, T>A. VCF-style: chr7-39950916-T-A. GRCh37 (hg19) VCF-style: chr7-39990515-T-A.
Other names: c.275T>A, p.Leu92Gln (NM_031267.4); short protein forms L92Q.
Identifiers: ClinVar variation 3677752 (VCV003677752.2).

ClinVar aggregate classification (germline): Uncertain significance (1 of 4 stars; one submission).

Submission:

Labcorp Genetics (formerly Invitae), Labcorp
Classification: Uncertain significance. Last evaluated: 2024-11-25. Review status: criteria provided, single submitter. Criteria: Invitae Variant Classification Sherloc (09022015). Collection method: clinical testing. Allele origin: germline.
Comment: This sequence change replaces leucine, which is neutral and non-polar, with glutamine, which is neutral and polar, at codon 92 of the CDK13 protein (p.Leu92Gln). This variant is not present in population databases (gnomAD no frequency). This variant has not been reported in the literature in individuals affected with CDK13-related conditions. Invitae Evidence Modeling of protein sequence and biophysical properties (such as structural, functional, and spatial information, amino acid conservation, physicochemical variation, residue mobility, and thermodynamic stability) indicates that this missense variant is not expected to disrupt CDK13 protein function with a negative predictive value of 95%. In summary, the available evidence is currently insufficient to determine the role of this variant in disease. Therefore, it has been classified as a Variant of Uncertain Significance.